The following is an entry in ClinVar:

ClinVar aggregate classification (germline): Pathogenic (1 of 4 stars; one submission).

Conditions:
Neonatal diabetes mellitus with congenital hypothyroidism. Also called: NDH SYNDROME. Identifiers: Orphanet 79118, MedGen C1857775, MONDO:0012436, OMIM 610199.

Submission:

3billion
Classification: Pathogenic for Neonatal diabetes mellitus with congenital hypothyroidism. Last evaluated: 2025-09-11. Review status: criteria provided, single submitter. Criteria: ACMG Guidelines, 2015. Collection method: clinical testing. Allele origin: germline. Affected: yes.
Comment: The variant is not observed in the gnomAD v4.1.0 dataset. Predicted Consequence/Location: Stop-gained (nonsense): predicted to result in a loss or disruption of normal protein function through nonsense-mediated decay (NMD) or protein truncation. Multiple pathogenic variants are reported downstream of the variant. Therefore, this variant is classified as Pathogenic according to the recommendation of ACMG/AMP guideline.

NM_001042413.2(GLIS3):c.1267C>T (p.Gln423Ter)

Gene: GLIS3 (GLIS family zinc finger 3; minus strand). Cytogenetic location: 9p24.2.
Variant type: single nucleotide variant.
Coding change: c.1267C>T on transcript NM_001042413.2 (MANE Select); coding-DNA position 1267, C replaced by T.
Protein change: p.Gln423Ter; replaces glutamine 423 with a stop codon.
Molecular consequence: nonsense.
Genome position (GRCh38, 1-based): chr9:4,118,211, G>A on the plus strand (C>T on the coding strand, the complement: GLIS3 is on the minus strand). VCF-style: chr9-4118211-G-A. GRCh37 (hg19) VCF-style: chr9-4118211-G-A.
Other names: c.1267C>T, p.Gln423Ter (NM_001438907.1, NM_001438908.1, NM_001438913.1 and 2 more transcripts); c.802C>T, p.Gln268Ter (NM_001438909.1, NM_001438915.1, NM_152629.4); c.601C>T, p.Gln201Ter (NM_001438911.1, NM_001438912.1, NM_001438916.1); short protein forms Q201*, Q268*, Q423*.
Identifiers: ClinVar variation 4855663 (VCV004855663.1).
Genomic context (GRCh38, chr9:4,118,211, plus strand): 5'-GGTCTACGGTGCTGCCCGGGAACTCCTCCAGGCGTTCGGTCTTGAACAGGCCGGCCGACT[G>A]GCTGTCGGGGCCCGGCAGGCCATGCTGCACCACCATGTGGTTGACCAGGCCTGGCTGCAG-3'